The following is an entry in ClinVar:

ClinVar aggregate classification (germline): Uncertain significance. Review status: criteria provided, multiple submitters, no conflicts (2 of 4 stars). 4 submissions from 4 submitters: Uncertain significance (3). 1 of the submissions does not count toward it. Last evaluated 2025-10-24.

Conditions:
Cardiovascular phenotype. Identifiers: MedGen CN230736.
Hypertrophic cardiomyopathy. Also called: HYPERTROPHIC MYOCARDIOPATHY. Identifiers: Orphanet 217569, MedGen C0007194, MeSH D002312, MONDO:0005045, HP:0001639.
Lethal congenital glycogen storage disease of heart. Also called: GLYCOGEN STORAGE DISEASE OF HEART; PHOSPHORYLASE KINASE DEFICIENCY OF HEART. Identifiers: Orphanet 439854, MedGen C1849813, MONDO:0009867, OMIM 261740.

Allele frequency attached by ClinVar (database versions not stated): ExAC 0.00001; gnomAD exomes 0.00001.
gnomAD v4.1: 3 of 1,613,662 alleles (0.00019%); highest among the groups gnomAD compares: South Asian, 0.0022%; no homozygotes.

Submissions (4):

Ambry Genetics
Classification: Uncertain significance for Cardiovascular phenotype. Last evaluated: 2025-10-24. Review status: criteria provided, single submitter. Criteria: Ambry Variant Classification Scheme 2023. Collection method: clinical testing. Allele origin: germline.
Comment: The p.M335V variant (also known as c.1003A>G), located in coding exon 8 of the PRKAG2 gene, results from an A to G substitution at nucleotide position 1003. The methionine at codon 335 is replaced by valine, an amino acid with highly similar properties. This amino acid position is highly conserved in available vertebrate species. In addition, the in silico prediction for this alteration is inconclusive. Since supporting evidence is limited at this time, the clinical significance of this alteration remains unclear.

Labcorp Genetics (formerly Invitae), Labcorp
Classification: Uncertain significance for Lethal congenital glycogen storage disease of heart. Last evaluated: 2024-10-15. Review status: criteria provided, single submitter. Criteria: Invitae Variant Classification Sherloc (09022015). Collection method: clinical testing. Allele origin: germline.
Comment: This sequence change replaces methionine, which is neutral and non-polar, with valine, which is neutral and non-polar, at codon 335 of the PRKAG2 protein (p.Met335Val). This variant is present in population databases (rs769428744, gnomAD 0.006%). This variant has not been reported in the literature in individuals affected with PRKAG2-related conditions. ClinVar contains an entry for this variant (Variation ID: 1050004). Invitae Evidence Modeling of protein sequence and biophysical properties (such as structural, functional, and spatial information, amino acid conservation, physicochemical variation, residue mobility, and thermodynamic stability) indicates that this missense variant is not expected to disrupt PRKAG2 protein function with a negative predictive value of 95%. This variant disrupts the p.Met335 amino acid residue in PRKAG2. Other variant(s) that disrupt this residue have been determined to be pathogenic (PMID: 18811822, 32646569; internal data). This suggests that this residue is clinically significant, and that variants that disrupt this residue are likely to be disease-causing. In summary, the available evidence is currently insufficient to determine the role of this variant in disease. Therefore, it has been classified as a Variant of Uncertain Significance.

All of Us Research Program, National Institutes of Health
Classification: Uncertain significance for Hypertrophic cardiomyopathy. Last evaluated: 2023-11-02. Review status: criteria provided, single submitter. Criteria: ACMG Guidelines, 2015. Collection method: clinical testing. Allele origin: germline. Inheritance: Autosomal dominant inheritance. Observed: 1 variant allele, 1 heterozygote.
Comment: This missense variant replaces methionine with valine at codon 335 of the PRKAG2 protein. Computational prediction is inconclusive regarding the impact of this variant on protein structure and function (internally defined REVEL score threshold 0.5 < inconclusive < 0.7, PMID: 27666373). To our knowledge, functional studies have not been reported for this variant. This variant has not been reported in individuals affected with PRKAG2-related disorders in the literature. This variant has been identified in 2/251018 chromosomes in the general population by the Genome Aggregation Database (gnomAD). The available evidence is insufficient to determine the role of this variant in disease conclusively. Therefore, this variant is classified as a Variant of Uncertain Significance.

This study involves interpretation of variants in research participants for the purpose of population health screening. Participant phenotype was not available at the time of variant classification. Additional details can be found in publication PMID: 35346344, PMCID: PMC8962531

Department of Pathology and Laboratory Medicine, Sinai Health System
Classification: Uncertain significance. Review status: no assertion criteria provided. Collection method: clinical testing. Allele origin: unknown. Affected: yes. Study: The Canadian Open Genetics Repository (COGR). Not counted in ClinVar's aggregate classification.
Comment: The PRKAG2 p.Met335Val variant was not identified in the literature nor was it identified in ClinVar. The variant was identified in dbSNP (ID: rs769428744) and LOVD 3.0 (reported as unknown significance by VKGL data sharing initiative Nederland). The variant was identified in control databases in 2 of 251018 chromosomes at a frequency of 0.000007968 (Genome Aggregation Database March 6, 2019, v2.1.1). The variant was observed in the South Asian population in 2 of 30598 chromosomes (freq: 0.000065), but was not observed in the African, Latino, Ashkenazi Jewish, East Asian, European (Finnish), European (non-Finnish), or Other populations. The p.Met335 residue is conserved in mammals but not in more distantly related organisms however four out of five computational analyses (PolyPhen-2, SIFT, AlignGVGD, BLOSUM, MutationTaster) do not suggest a high likelihood of impact to the protein; this information is not predictive enough to rule out pathogenicity. The p.Met335Val variant occurs in the third last base of the exon; this position has been shown to be part of the splicing consensus sequence and variants involving this position sometimes affect splicing. However, in silico or computational prediction software programs (SpliceSiteFinder, MaxEntScan, NNSPLICE, GeneSplicer) do not predict a difference in splicing. In summary, based on the above information the clinical significance of this variant cannot be determined with certainty at this time. This variant is classified as a variant of uncertain significance.

Literature cited by the submitters: PubMed 18811822 (cited by Labcorp Genetics (formerly Invitae), Labcorp); PubMed 32646569 (cited by Labcorp Genetics (formerly Invitae), Labcorp).

NM_016203.4(PRKAG2):c.1003A>G (p.Met335Val)

Gene: PRKAG2 (protein kinase AMP-activated non-catalytic subunit gamma 2; minus strand). Cytogenetic location: 7q36.1.
Variant type: single nucleotide variant.
Coding change: c.1003A>G on transcript NM_016203.4 (MANE Select); coding-DNA position 1003, A replaced by G.
Protein change: p.Met335Val; replaces methionine 335 with valine.
Molecular consequence: missense variant.
Genome position (GRCh38, 1-based): chr7:151,574,893, T>C on the plus strand (A>G on the coding strand, the complement: PRKAG2 is on the minus strand). VCF-style: chr7-151574893-T-C. GRCh37 (hg19) VCF-style: chr7-151271979-T-C.
Other names: c.628A>G, p.Met210Val (NM_001304527.2); c.871A>G, p.Met291Val (NM_001040633.2); c.280A>G, p.Met94Val (NM_001304531.2, NM_024429.2); c.631A>G, p.Met211Val (NM_001363698.2); short protein forms M210V, M211V, M291V, M335V, M94V.
Identifiers: ClinVar variation 1050004 (VCV001050004.10), dbSNP rs769428744, ClinGen allele CA052886.